The following is an entry in ClinVar:

NM_002336.3(LRP6):c.3095G>T (p.Cys1032Phe)

Gene: LRP6 (LDL receptor related protein 6; minus strand). Cytogenetic location: 12p13.2.
Variant type: single nucleotide variant.
Coding change: c.3095G>T on transcript NM_002336.3 (MANE Select); coding-DNA position 3095, G replaced by T.
Protein change: p.Cys1032Phe; replaces cysteine 1032 with phenylalanine.
Molecular consequence: missense variant. On other transcripts: non-coding transcript variant (1).
Genome position (GRCh38, 1-based): chr12:12,149,053, C>A on the plus strand (G>T on the coding strand, the complement: LRP6 is on the minus strand). VCF-style: chr12-12149053-C-A. GRCh37 (hg19) VCF-style: chr12-12301987-C-A.
Other names: c.3095G>T, p.Cys1032Phe (NM_001414244.1, NM_001414245.1, NM_001414246.1 and 4 more transcripts); c.2897G>T, p.Cys966Phe (NM_001414247.1); c.2642G>T, p.Cys881Phe (NM_001414252.1, NM_001414253.1, NM_001414254.1); c.2588G>T, p.Cys863Phe (NM_001414255.1); short protein forms C1032F, C863F, C881F, C966F.
Identifiers: ClinVar variation 2500817 (VCV002500817.2), dbSNP rs1565563080, ClinGen allele CA383941923.

ClinVar aggregate classification (germline): Likely pathogenic (1 of 4 stars; one submission).

Conditions:
Tooth agenesis, selective, 7 (STHAG7). Identifiers: Orphanet 99798, MedGen C4225231, MONDO:0014749, OMIM 616724.

Submission:

Research Center of Stomatology, College of Stomatology, Xi'an Jiaotong University
Classification: Likely pathogenic for Tooth agenesis, selective, 7. Review status: criteria provided, single submitter. Criteria: ACMG Guidelines, 2015. Collection method: clinical testing. Allele origin: germline, inherited. Inheritance: Autosomal dominant inheritance. Affected: yes. Observed: 2 heterozygotes. Clinical features observed: Tooth agenesis (HP:0009804).
Comment: The Cys1032Phe variant in LRP6 was identified in 1 Chinese family with autosomal dominant tooth agenesis, segregated with the disease in two family members, and was absent from large population studies. The variant targets a highly conserved YWTD motif in LRP6 protein and is predicted to be deleterious by multiple bioinformatic algorithms. Structural modeling suggest that the Cys1032Phe variant disrupts local hydrogen bonding. In summary, the Cys1032Phe variant meets the ACMG criteria to be classified as likely pathogenic based upon segregation, absence from controls, targeting functional motif and bioinformatic prediction evidence.